The following is an entry in ClinVar:

NM_002850.4(PTPRS):c.2934C>G (p.Ala978=)

Gene: PTPRS (protein tyrosine phosphatase receptor type S; minus strand). Cytogenetic location: 19p13.3.
Variant type: single nucleotide variant.
Coding change: c.2934C>G on transcript NM_002850.4 (MANE Select); coding-DNA position 2934, C replaced by G.
Protein change: p.Ala978=; no amino-acid change (alanine 978 retained).
Molecular consequence: synonymous variant. On other transcripts: intron variant (2).
Genome position (GRCh38, 1-based): chr19:5,222,858, G>C on the plus strand (C>G on the coding strand, the complement: PTPRS is on the minus strand). VCF-style: chr19-5222858-G-C. GRCh37 (hg19) VCF-style: chr19-5222869-G-C.
Other names: c.2868C>G, p.Ala956= (NM_001394011.1, NM_001394013.1, NM_130854.3); c.2895C>G, p.Ala965= (NM_001394012.1); c.1811-638C>G (NM_130853.3); c.1823-638C>G (NM_130855.3).
Identifiers: ClinVar variation 3047511 (VCV003047511.2), dbSNP rs200844620, ClinGen allele CA9109806.

ClinVar aggregate classification (germline): Likely benign (0 of 4 stars; one submission).

Conditions:
PTPRS-related disorder. Also called: PTPRS-related condition.

Allele frequency attached by ClinVar (database versions not stated): gnomAD 0.00019; TOPMed 0.00021; gnomAD exomes 0.00025; ExAC 0.00026.
gnomAD v4.1: 383 of 1,591,000 alleles (0.024%); highest among the groups gnomAD compares: Middle Eastern, 0.033%; no homozygotes.

Submission:

PreventionGenetics, part of Exact Sciences
Classification: Likely benign for PTPRS-related condition. Last evaluated: 2019-04-25. Review status: no assertion criteria provided. Collection method: clinical testing. Allele origin: germline.
Comment: This variant is classified as likely benign based on ACMG/AMP sequence variant interpretation guidelines (Richards et al. 2015 PMID: 25741868, with internal and published modifications).